The following is an entry in ClinVar:

ClinVar aggregate classification (germline): Uncertain significance (1 of 4 stars; one submission).

Conditions:
Charcot-Marie-Tooth disease axonal type 2O. Also called: CHARCOT-MARIE-TOOTH NEUROPATHY, AXONAL, TYPE 2O; CHARCOT-MARIE-TOOTH DISEASE, AXONAL, AUTOSOMAL DOMINANT, TYPE 2O; Charcot-Marie-Tooth Neuropathy Type 2O; Charcot-Marie-Tooth disease, axonal, type 20. Identifiers: Orphanet 284232, MedGen C3280220, MONDO:0013644, OMIM 614228.

Submission:

Labcorp Genetics (formerly Invitae), Labcorp
Classification: Uncertain significance for Charcot-Marie-Tooth disease axonal type 2O. Last evaluated: 2023-04-07. Review status: criteria provided, single submitter. Criteria: Invitae Variant Classification Sherloc (09022015). Collection method: clinical testing. Allele origin: germline.
Comment: In summary, the available evidence is currently insufficient to determine the role of this variant in disease. Therefore, it has been classified as a Variant of Uncertain Significance. Advanced modeling of protein sequence and biophysical properties (such as structural, functional, and spatial information, amino acid conservation, physicochemical variation, residue mobility, and thermodynamic stability) performed at Invitae indicates that this missense variant is not expected to disrupt DYNC1H1 protein function. This variant has not been reported in the literature in individuals affected with DYNC1H1-related conditions. This variant is not present in population databases (gnomAD no frequency). This sequence change replaces alanine, which is neutral and non-polar, with threonine, which is neutral and polar, at codon 2128 of the DYNC1H1 protein (p.Ala2128Thr).

NM_001376.5(DYNC1H1):c.6382G>A (p.Ala2128Thr)

Gene: DYNC1H1 (dynein cytoplasmic 1 heavy chain 1; plus strand). Cytogenetic location: 14q32.31.
Variant type: single nucleotide variant.
Coding change: c.6382G>A on transcript NM_001376.5 (MANE Select); coding-DNA position 6382, G replaced by A.
Protein change: p.Ala2128Thr; replaces alanine 2128 with threonine.
Molecular consequence: missense variant.
Genome position (GRCh38, 1-based): chr14:102,010,436, G>A. VCF-style: chr14-102010436-G-A. GRCh37 (hg19) VCF-style: chr14-102476773-G-A.
Other names: short protein forms A2128T.
Identifiers: ClinVar variation 2851441 (VCV002851441.3), dbSNP rs2503752205, ClinGen allele CA391054933.